The following is an entry in ClinVar:

ClinVar aggregate classification (germline): Uncertain significance (1 of 4 stars; one submission).

Conditions:
Desmin-related myofibrillar myopathy (MFM1). Also called: Desminopathy; Desmin related myopathy (former name); Desmin storage myopathy (former name); MYOFIBRILLAR MYOPATHY WITH ARRHYTHMOGENIC RIGHT VENTRICULAR CARDIOMYOPATHY; DESMIN-RELATED MYOPATHY WITH ARRHYTHMOGENIC RIGHT VENTRICULAR CARDIOMYOPATHY; Myofibrillar myopathy 1. Identifiers: Orphanet 363543, Orphanet 98909, MedGen C1832370, MONDO:0011076, OMIM 601419.

gnomAD v4.1: 1 of 1,613,722 alleles (0.000062%); highest among the groups gnomAD compares: Non-Finnish European, 0.000085%; no homozygotes.

Submission:

Labcorp Genetics (formerly Invitae), Labcorp
Classification: Uncertain significance for Desmin-related myofibrillar myopathy. Last evaluated: 2025-09-11. Review status: criteria provided, single submitter. Criteria: Invitae Variant Classification Sherloc (09022015). Collection method: clinical testing. Allele origin: germline.
Comment: This sequence change falls in intron 3 of the DES gene. It does not directly change the encoded amino acid sequence of the DES protein. It affects a nucleotide within the consensus splice site. This variant is not present in population databases (gnomAD no frequency). This variant has not been reported in the literature in individuals affected with DES-related conditions. ClinVar contains an entry for this variant (Variation ID: 2085852). Variants that disrupt the consensus splice site are a relatively common cause of aberrant splicing (PMID: 17576681, 9536098). Algorithms developed to predict the effect of sequence changes on RNA splicing suggest that this variant is not likely to affect RNA splicing. In summary, the available evidence is currently insufficient to determine the role of this variant in disease. Therefore, it has been classified as a Variant of Uncertain Significance.

Literature cited by the submitters: PubMed 17576681; PubMed 9536098.

NM_001927.4(DES):c.735+6C>A

Gene: DES (desmin; plus strand). Cytogenetic location: 2q35.
Variant type: single nucleotide variant.
Coding change: c.735+6C>A on transcript NM_001927.4 (MANE Select); 6 bases into the intron after coding-DNA position 735, C replaced by A.
Molecular consequence: intron variant.
Genome position (GRCh38, 1-based): chr2:219,420,352, C>A. VCF-style: chr2-219420352-C-A. GRCh37 (hg19) VCF-style: chr2-220285074-C-A.
Other names: c.735+6C>A (NM_001382712.1, NM_001382711.1, NM_001382710.1 and 1 more transcripts); c.732+6C>A (NM_001382708.1); c.496-173C>A (NM_001382713.1).
Identifiers: ClinVar variation 2085852 (VCV002085852.4), dbSNP rs1302528006, ClinGen allele CA1329210780.